The following is an entry in ClinVar:

NM_014629.4(ARHGEF10):c.1583G>A (p.Arg528Gln)

Gene: ARHGEF10 (Rho guanine nucleotide exchange factor 10; plus strand). Cytogenetic location: 8p23.3.
Variant type: single nucleotide variant.
Coding change: c.1583G>A on transcript NM_014629.4 (MANE Select); coding-DNA position 1583, G replaced by A.
Protein change: p.Arg528Gln; replaces arginine 528 with glutamine.
Molecular consequence: missense variant.
Genome position (GRCh38, 1-based): chr8:1,898,458, G>A. VCF-style: chr8-1898458-G-A. GRCh37 (hg19) VCF-style: chr8-1846624-G-A.
Other names: c.1469G>A, p.Arg490Gln (NM_001308152.2); c.1583G>A, p.Arg528Gln (NM_001308153.3); short protein forms R490Q, R528Q, R552Q.
Identifiers: ClinVar variation 2915437 (VCV002915437.25), dbSNP rs143325951, ClinGen allele CA4600463.

ClinVar aggregate classification (germline): Conflicting classifications of pathogenicity. Review status: criteria provided, conflicting classifications (1 of 4 stars). 3 submissions from 3 submitters: Uncertain significance (2); Likely benign (1). Last evaluated 2025-09-08.

Allele frequency attached by ClinVar (database versions not stated): gnomAD exomes 0.00013; ExAC 0.00002; TOPMed 0.00007; ESP Exome Variant Server 0.00008; gnomAD 0.00008.

Submissions (3):

Women's Health and Genetics/Laboratory Corporation of America, LabCorp
Classification: Uncertain significance. Last evaluated: 2025-09-08. Review status: criteria provided, single submitter. Criteria: LabCorp Variant Classification Summary - May 2015. Collection method: clinical testing. Allele origin: germline.
Comment: Variant summary: ARHGEF10 c.1583G>A (p.Arg528Gln) results in a conservative amino acid change in the encoded protein sequence. Algorithms developed to predict the effect of missense changes on protein structure and function are either unavailable or do not agree on the potential impact of this missense change. The variant allele was found at a frequency of 3.2e-05 in 251338 control chromosomes (gnomAD). The available data on variant occurrences in the general population are insufficient to allow any conclusion about variant significance. c.1583G>A has been observed in individuals affected with Charcot-Marie-Tooth disease (Vaeth_2018). The report does not provide unequivocal conclusions about association of the variant with Autosomal dominant slowed nerve conduction velocity. To our knowledge, no experimental evidence demonstrating an impact on protein function has been reported. The following publication has been ascertained in the context of this evaluation (PMID: 29653220). ClinVar contains an entry for this variant (Variation ID: 2915437). Based on the evidence outlined above, the variant was classified as uncertain significance.

CeGaT Center for Human Genetics Tuebingen
Classification: Likely benign. Last evaluated: 2024-02-01. Review status: criteria provided, single submitter. Criteria: CeGaT Center For Human Genetics Tuebingen Variant Classification Criteria Version 2. Collection method: clinical testing. Allele origin: germline. Affected: yes. Observed: 1 variant allele.
Comment: ARHGEF10: BP4

Labcorp Genetics (formerly Invitae), Labcorp
Classification: Uncertain significance. Last evaluated: 2024-01-29. Review status: criteria provided, single submitter. Criteria: Invitae Variant Classification Sherloc (09022015). Collection method: clinical testing. Allele origin: germline.
Comment: This sequence change replaces arginine, which is basic and polar, with glutamine, which is neutral and polar, at codon 528 of the ARHGEF10 protein (p.Arg528Gln). This variant is present in population databases (rs143325951, gnomAD 0.006%). This missense change has been observed in individual(s) with ARHGEF10-related conditions (PMID: 29653220). Advanced modeling of protein sequence and biophysical properties (such as structural, functional, and spatial information, amino acid conservation, physicochemical variation, residue mobility, and thermodynamic stability) performed at Invitae indicates that this missense variant is expected to disrupt ARHGEF10 protein function with a positive predictive value of 80%. In summary, the available evidence is currently insufficient to determine the role of this variant in disease. Therefore, it has been classified as a Variant of Uncertain Significance.

Literature cited by the submitters: PubMed 29653220 (cited by Women's Health and Genetics/Laboratory Corporation of America, LabCorp and Labcorp Genetics (formerly Invitae), Labcorp).